The following is an entry in ClinVar:

ClinVar aggregate classification (germline): Uncertain significance (1 of 4 stars; one submission).

Allele frequency attached by ClinVar (database versions not stated): gnomAD exomes below 0.00001.
gnomAD v4.1: 4 of 1,614,180 alleles (0.00025%); highest among the groups gnomAD compares: Non-Finnish European, 0.00025%; no homozygotes.

Submission:

Labcorp Genetics (formerly Invitae), Labcorp
Classification: Uncertain significance. Last evaluated: 2022-07-05. Review status: criteria provided, single submitter. Criteria: Invitae Variant Classification Sherloc (09022015). Collection method: clinical testing. Allele origin: germline.
Comment: This variant has not been reported in the literature in individuals affected with PDE6C-related conditions. This sequence change replaces glutamic acid, which is acidic and polar, with aspartic acid, which is acidic and polar, at codon 31 of the PDE6C protein (p.Glu31Asp). This variant is not present in population databases (gnomAD no frequency). Algorithms developed to predict the effect of missense changes on protein structure and function are either unavailable or do not agree on the potential impact of this missense change (SIFT: "Deleterious"; PolyPhen-2: "Benign"; Align-GVGD: "Class C0"). In summary, the available evidence is currently insufficient to determine the role of this variant in disease. Therefore, it has been classified as a Variant of Uncertain Significance.

NM_006204.4(PDE6C):c.93G>T (p.Glu31Asp)

Gene: PDE6C (phosphodiesterase 6C; plus strand). Cytogenetic location: 10q23.33.
Variant type: single nucleotide variant.
Coding change: c.93G>T on transcript NM_006204.4 (MANE Select); coding-DNA position 93, G replaced by T.
Protein change: p.Glu31Asp; replaces glutamic acid 31 with aspartic acid.
Molecular consequence: missense variant.
Genome position (GRCh38, 1-based): chr10:93,612,818, G>T. VCF-style: chr10-93612818-G-T. GRCh37 (hg19) VCF-style: chr10-95372575-G-T.
Other names: short protein forms E31D.
Identifiers: ClinVar variation 2087307 (VCV002087307.3), dbSNP rs2058397762, ClinGen allele CA377621584.